The following is an entry in ClinVar:

ClinVar aggregate classification (germline): Uncertain significance (1 of 4 stars; one submission).

Submission:

Labcorp Genetics (formerly Invitae), Labcorp
Classification: Uncertain significance. Last evaluated: 2025-04-23. Review status: criteria provided, single submitter. Criteria: Invitae Variant Classification Sherloc (09022015). Collection method: clinical testing. Allele origin: germline.
Comment: This variant, c.1500_1502dup, results in the insertion of 1 amino acid(s) of the CACNA1G protein (p.His504dup), but otherwise preserves the integrity of the reading frame. This variant is not present in population databases (gnomAD no frequency). This variant has not been reported in the literature in individuals affected with CACNA1G-related conditions. In summary, the available evidence is currently insufficient to determine the role of this variant in disease. Therefore, it has been classified as a Variant of Uncertain Significance.

NM_018896.5(CACNA1G):c.1488CCA[6] (p.His504_Tyr505insHis)

Gene: CACNA1G (calcium voltage-gated channel subunit alpha1 G; plus strand). Cytogenetic location: 17q21.33.
Variant type: Microsatellite.
Coding change: c.1488CCA[6] on transcript NM_018896.5 (MANE Select); six copies in a row of the 3-base unit CCA starting at c.1488; the reference has five copies in a row; one copy, 3 bases duplicated.
Protein change: p.His504_Tyr505insHis.
Molecular consequence: inframe insertion. On other transcripts: non-coding transcript variant (5).
Genome position (GRCh38, 1-based): chr17:50,575,902-50,575,904, CCA duplicated; duplicating any 3 consecutive bases within chr17:50,575,888-50,575,904 gives the same sequence; the position shown is the placement nearest the transcript's 3' end. VCF-style (leftmost placement, unchanged base first): chr17-50575887-G-GCAC. GRCh37 (hg19) VCF-style: chr17-48653248-G-GCAC.
Other names: c.1488CCA[6], p.His504_Tyr505insHis (NM_001256324.2, NM_001256325.2, NM_001256326.2 and 24 more transcripts).
Identifiers: ClinVar variation 4701327 (VCV004701327.1).